The following is an entry in ClinVar:

NM_000126.4(ETFA):c.427dup (p.Thr143fs)

Gene: ETFA (electron transfer flavoprotein subunit alpha; minus strand). Cytogenetic location: 15q24.2.
Variant type: Duplication.
Coding change: c.427dup on transcript NM_000126.4 (MANE Select); coding-DNA position 427, one base duplicated (A; older notation c.427dupA).
Protein change: p.Thr143fs; shifts the reading frame from threonine 143.
Molecular consequence: frameshift variant.
Genome position (GRCh38, 1-based): chr15:76,287,870, T duplicated on the plus strand (A on the coding strand, the reverse complement: ETFA is on the minus strand). VCF-style (leftmost placement, unchanged base first): chr15-76287869-G-GT. GRCh37 (hg19) VCF-style: chr15-76580210-G-GT.
Other names: c.280dup, p.Thr94fs (NM_001127716.2); short protein forms T94fs, T143fs.
Identifiers: ClinVar variation 1422394 (VCV001422394.6), dbSNP rs2039717357, ClinGen allele CA2188524005.

ClinVar aggregate classification (germline): Pathogenic (1 of 4 stars; one submission).

Conditions:
Multiple acyl-CoA dehydrogenase deficiency (MADD). Also called: Glutaric aciduria, type 2; ETHYLMALONIC-ADIPICACIDURIA; GA II; Glutaric acidemia type II; GA 2; Glutaric Acidemia type 2. Identifiers: Orphanet 26791, MedGen C0268596, MONDO:0009282, OMIM 231680.

Submission:

Labcorp Genetics (formerly Invitae), Labcorp
Classification: Pathogenic for Multiple acyl-CoA dehydrogenase deficiency. Last evaluated: 2021-02-25. Review status: criteria provided, single submitter. Criteria: Invitae Variant Classification Sherloc (09022015). Collection method: clinical testing. Allele origin: germline.
Comment: This sequence change creates a premature translational stop signal (p.Thr143Asnfs*18) in the ETFA gene. It is expected to result in an absent or disrupted protein product. Loss-of-function variants in ETFA are known to be pathogenic (PMID: 16510302, 23785301). This variant is not present in population databases (ExAC no frequency). This variant has not been reported in the literature in individuals with ETFA-related conditions. For these reasons, this variant has been classified as Pathogenic.

Literature cited by the submitters: PubMed 16510302; PubMed 23785301.